The following is an entry in ClinVar:

NM_021008.4(DEAF1):c.289+8C>T

Gene: DEAF1 (DEAF1 transcription factor; minus strand). Cytogenetic location: 11p15.5.
Variant type: single nucleotide variant.
Coding change: c.289+8C>T on transcript NM_021008.4 (MANE Select); 8 bases into the intron after coding-DNA position 289, C replaced by T.
Molecular consequence: intron variant. On other transcripts: 5 prime UTR variant (2).
Genome position (GRCh38, 1-based): chr11:694,751, G>A on the plus strand (C>T on the coding strand, the complement: DEAF1 is on the minus strand). VCF-style: chr11-694751-G-A. GRCh37 (hg19) VCF-style: chr11-694751-G-A.
Other names: c.-1700C>T (NM_001440886.1); c.-510C>T (NM_001440887.1); c.-437-3153C>T (NM_001367390.1); c.-308+8C>T (NM_001440885.1); c.289+8C>T (NM_001293634.2, NM_001440884.1, NM_001440883.1).
Identifiers: ClinVar variation 1556042 (VCV001556042.22), dbSNP rs984340885, ClinGen allele CA216910722.

ClinVar aggregate classification (germline): Likely benign. Review status: criteria provided, multiple submitters, no conflicts (2 of 4 stars). 2 submissions from 2 submitters: Likely benign (2). Last evaluated 2025-02-01.

Allele frequency attached by ClinVar (database versions not stated): TOPMed below 0.00001.
gnomAD v4.1: 9 of 1,292,742 alleles (0.0007%); highest among the groups gnomAD compares: Non-Finnish European, 0.00078%; no homozygotes.

Submissions (2):

CeGaT Center for Human Genetics Tuebingen
Classification: Likely benign. Last evaluated: 2025-02-01. Review status: criteria provided, single submitter. Criteria: CeGaT Center For Human Genetics Tuebingen Variant Classification Criteria Version 2. Collection method: clinical testing. Allele origin: germline. Affected: yes. Observed: 1 variant allele.
Comment: DEAF1: BP4

Labcorp Genetics (formerly Invitae), Labcorp
Classification: Likely benign. Last evaluated: 2024-10-15. Review status: criteria provided, single submitter. Criteria: Invitae Variant Classification Sherloc (09022015). Collection method: clinical testing. Allele origin: germline.